The following is an entry in ClinVar:

ClinVar aggregate classification (germline): Likely benign (1 of 4 stars; one submission).

Submission:

CeGaT Center for Human Genetics Tuebingen
Classification: Likely benign. Last evaluated: 2024-03-01. Review status: criteria provided, single submitter. Criteria: CeGaT Center For Human Genetics Tuebingen Variant Classification Criteria Version 2. Collection method: clinical testing. Allele origin: germline. Affected: yes. Observed: 6 variant alleles.
Comment: MED12: PM2:Supporting, BP4, BP7

NM_005120.3(MED12):c.5571A>C (p.Pro1857=)

Gene: MED12 (mediator complex subunit 12; plus strand). Cytogenetic location: Xq13.1.
Variant type: single nucleotide variant.
Coding change: c.5571A>C on transcript NM_005120.3 (MANE Select); coding-DNA position 5571, A replaced by C.
Protein change: p.Pro1857=; no amino-acid change (proline 1857 retained).
Molecular consequence: synonymous variant.
Genome position (GRCh38, 1-based): chrX:71,137,206, A>C. VCF-style: chrX-71137206-A-C. GRCh37 (hg19) VCF-style: chrX-70357056-A-C.
Identifiers: ClinVar variation 2579097 (VCV002579097.25), dbSNP rs2519713893, ClinGen allele CA516727538.